The following is an entry in ClinVar:

NM_001267550.2(TTN):c.106289C>A (p.Thr35430Asn)

Genes: TTN (titin; minus strand), TTN-AS1 (TTN antisense RNA 1; plus strand). Cytogenetic location: 2q31.2.
Variant type: single nucleotide variant.
Coding change: c.106289C>A on transcript NM_001267550.2 (MANE Select); coding-DNA position 106289, C replaced by A.
Protein change: p.Thr35430Asn; replaces threonine 35430 with asparagine.
Molecular consequence: missense variant.
Genome position (GRCh38, 1-based): chr2:178,530,326, G>T on the plus strand (C>A on the coding strand, the complement: TTN is on the minus strand). VCF-style: chr2-178530326-G-T. GRCh37 (hg19) VCF-style: chr2-179395053-G-T.
Other names: c.101366C>A, p.Thr33789Asn (NM_001256850.1); c.79094C>A, p.Thr26365Asn (NM_003319.4); c.98585C>A, p.Thr32862Asn (NM_133378.4); c.79469C>A, p.Thr26490Asn (NM_133432.3); c.79670C>A, p.Thr26557Asn (NM_133437.4); short protein forms T26365N, T26490N, T26557N, T32862N, T35430N, T33789N.
Identifiers: ClinVar variation 2941317 (VCV002941317.3), dbSNP rs2468363913, ClinGen allele CA349406300.

ClinVar aggregate classification (germline): Uncertain significance (1 of 4 stars; one submission).

Conditions:
Dilated cardiomyopathy 1G (CMD1G). Identifiers: Orphanet 154, MedGen C1858763, MONDO:0011400, OMIM 604145.
Autosomal recessive limb-girdle muscular dystrophy type 2J (LGMDR10). Also called: Limb-girdle muscular dystrophy, type 2J; MUSCULAR DYSTROPHY, LIMB-GIRDLE, AUTOSOMAL RECESSIVE 10. Identifiers: Orphanet 140922, MedGen C1837342, MONDO:0012127, OMIM 608807.

Submission:

Labcorp Genetics (formerly Invitae), Labcorp
Classification: Uncertain significance for Dilated cardiomyopathy 1G; Autosomal recessive limb-girdle muscular dystrophy type 2J. Last evaluated: 2022-11-05. Review status: criteria provided, single submitter. Criteria: Invitae Variant Classification Sherloc (09022015). Collection method: clinical testing. Allele origin: germline.
Comment: This variant is located in the M band of TTN (PMID: 25589632). Variants in this region may be relevant for neuromuscular disorders, but have not been definitively shown to cause cardiomyopathy (PMID: 23975875). In summary, the available evidence is currently insufficient to determine the role of this variant in disease. Therefore, it has been classified as a Variant of Uncertain Significance. Experimental studies and prediction algorithms are not available or were not evaluated, and the functional significance of this variant is currently unknown. This variant has not been reported in the literature in individuals affected with TTN-related conditions. This variant is not present in population databases (gnomAD no frequency). This sequence change replaces threonine, which is neutral and polar, with asparagine, which is neutral and polar, at codon 35430 of the TTN protein (p.Thr35430Asn).

Literature cited by the submitters: PubMed 25589632; PubMed 23975875.